The following is an entry in ClinVar:

NC_000012.12:g.(?_2686156)_(2691209_?)del

Gene: CACNA1C (calcium voltage-gated channel subunit alpha1 C; plus strand). Cytogenetic location: 12p13.33.
Variant type: Deletion.
Identifiers: ClinVar variation 831451 (VCV000831451.6).

ClinVar aggregate classification (germline): Uncertain significance (1 of 4 stars; one submission).

Conditions:
Long QT syndrome (LQTS). Identifiers: MedGen C0023976, MeSH D008133, MONDO:0002442. Disease mechanism: loss of function. Inheritance: Various modes of inheritance.

Submission:

Labcorp Genetics (formerly Invitae), Labcorp
Classification: Uncertain significance for Long QT syndrome. Last evaluated: 2019-05-21. Review status: criteria provided, single submitter. Criteria: Invitae Variant Classification Sherloc (09022015). Collection method: clinical testing. Allele origin: germline.
Comment: In summary, the available evidence is currently insufficient to determine the role of this variant in disease. Therefore, it has been classified as a Variant of Uncertain Significance. Experimental studies and prediction algorithms are not available or were not evaluated for this variant, and the functional significance of the affected amino acid(s) is currently unknown. This variant has not been reported in the literature in individuals with CACNA1C-related conditions. This variant is a gross deletion of the genomic region encompassing exons 45-47 of the CACNA1C gene. The 5' boundary is likely confined to intron 44. The 3' end of this event is unknown as it extends through the termination codon beyond the assayed region for this gene and may encompass additional genes. While this deletion is not anticipated to result in nonsense mediated decay, it is expected to create a truncated protein product or disrupt mRNA translation.